The following is an entry in ClinVar:

ClinVar aggregate classification (germline): Uncertain significance (1 of 4 stars; one submission).

Submission:

Labcorp Genetics (formerly Invitae), Labcorp
Classification: Uncertain significance. Last evaluated: 2025-01-24. Review status: criteria provided, single submitter. Criteria: Invitae Variant Classification Sherloc (09022015). Collection method: clinical testing. Allele origin: germline.
Comment: This sequence change replaces glutamine, which is neutral and polar, with histidine, which is basic and polar, at codon 130 of the SIAE protein (p.Gln130His). This variant is not present in population databases (gnomAD no frequency). This variant has not been reported in the literature in individuals affected with SIAE-related conditions. ClinVar contains an entry for this variant (Variation ID: 1355459). An algorithm developed to predict the effect of missense changes on protein structure and function (PolyPhen-2) suggests that this variant is likely to be tolerated. In summary, the available evidence is currently insufficient to determine the role of this variant in disease. Therefore, it has been classified as a Variant of Uncertain Significance.

NM_170601.5(SIAE):c.390G>C (p.Gln130His)

Gene: SIAE (sialic acid acetylesterase; minus strand). Cytogenetic location: 11q24.2.
Variant type: single nucleotide variant.
Coding change: c.390G>C on transcript NM_170601.5 (MANE Select); coding-DNA position 390, G replaced by C.
Protein change: p.Gln130His; replaces glutamine 130 with histidine.
Molecular consequence: missense variant.
Genome position (GRCh38, 1-based): chr11:124,660,643, C>G on the plus strand (G>C on the coding strand, the complement: SIAE is on the minus strand). VCF-style: chr11-124660643-C-G. GRCh37 (hg19) VCF-style: chr11-124530539-C-G.
Other names: c.285G>C, p.Gln95His (NM_001199922.2); short protein forms Q130H, Q95H.
Identifiers: ClinVar variation 1355459 (VCV001355459.8), dbSNP rs1591393255, ClinGen allele CA383120811.